The following is an entry in ClinVar:

NM_001042681.2(RERE):c.3709A>G (p.Thr1237Ala)

Gene: RERE (arginine-glutamic acid dipeptide repeats; minus strand). Cytogenetic location: 1p36.23.
Variant type: single nucleotide variant.
Coding change: c.3709A>G on transcript NM_001042681.2 (MANE Select); coding-DNA position 3709, A replaced by G.
Protein change: p.Thr1237Ala; replaces threonine 1237 with alanine.
Molecular consequence: missense variant.
Genome position (GRCh38, 1-based): chr1:8,358,826, T>C on the plus strand (A>G on the coding strand, the complement: RERE is on the minus strand). VCF-style: chr1-8358826-T-C. GRCh37 (hg19) VCF-style: chr1-8418886-T-C.
Other names: c.2047A>G, p.Thr683Ala (NM_001042682.2); c.3709A>G, p.Thr1237Ala (NM_012102.4); short protein forms T1237A, T683A.
Identifiers: ClinVar variation 1923684 (VCV001923684.5), dbSNP rs138655804, ClinGen allele CA571006.

ClinVar aggregate classification (germline): Uncertain significance (1 of 4 stars; one submission).

Allele frequency attached by ClinVar (database versions not stated): ExAC 0.00001; gnomAD exomes 0.00002; ESP Exome Variant Server 0.00008.
gnomAD v4.1: 25 of 1,610,852 alleles (0.0016%); highest among the groups gnomAD compares: Non-Finnish European, 0.0021%; no homozygotes.

Submission:

Labcorp Genetics (formerly Invitae), Labcorp
Classification: Uncertain significance. Last evaluated: 2024-11-05. Review status: criteria provided, single submitter. Criteria: Invitae Variant Classification Sherloc (09022015). Collection method: clinical testing. Allele origin: germline.
Comment: This sequence change replaces threonine, which is neutral and polar, with alanine, which is neutral and non-polar, at codon 1237 of the RERE protein (p.Thr1237Ala). This variant is present in population databases (rs138655804, gnomAD 0.003%). This variant has not been reported in the literature in individuals affected with RERE-related conditions. ClinVar contains an entry for this variant (Variation ID: 1923684). Invitae Evidence Modeling of protein sequence and biophysical properties (such as structural, functional, and spatial information, amino acid conservation, physicochemical variation, residue mobility, and thermodynamic stability) has been performed for this missense variant. However, the output from this modeling did not meet the statistical confidence thresholds required to predict the impact of this variant on RERE protein function. In summary, the available evidence is currently insufficient to determine the role of this variant in disease. Therefore, it has been classified as a Variant of Uncertain Significance.